The following is an entry in ClinVar:

ClinVar aggregate classification (germline): Uncertain significance (1 of 4 stars; one submission).

Conditions:
Infantile spasms. Also called: Infantile spasm. Identifiers: MedGen C3887898, HP:0012469.

Allele frequency attached by ClinVar (database versions not stated): gnomAD exomes below 0.00001; TOPMed below 0.00001.
gnomAD v4.1: 5 of 1,613,984 alleles (0.00031%); highest among the groups gnomAD compares: Admixed American, 0.0033%; no homozygotes.

Submission:

Labcorp Genetics (formerly Invitae), Labcorp
Classification: Uncertain significance for Infantile spasms. Last evaluated: 2024-07-01. Review status: criteria provided, single submitter. Criteria: Invitae Variant Classification Sherloc (09022015). Collection method: clinical testing. Allele origin: germline.
Comment: This sequence change replaces serine, which is neutral and polar, with leucine, which is neutral and non-polar, at codon 434 of the PIK3AP1 protein (p.Ser434Leu). This variant is present in population databases (no rsID available, gnomAD 0.003%). This variant has not been reported in the literature in individuals affected with PIK3AP1-related conditions. ClinVar contains an entry for this variant (Variation ID: 841470). An algorithm developed to predict the effect of missense changes on protein structure and function (PolyPhen-2) suggests that this variant is likely to be disruptive. In summary, the available evidence is currently insufficient to determine the role of this variant in disease. Therefore, it has been classified as a Variant of Uncertain Significance.

NM_152309.3(PIK3AP1):c.1301C>T (p.Ser434Leu)

Gene: PIK3AP1 (phosphoinositide-3-kinase adaptor protein 1; minus strand). Cytogenetic location: 10q24.1.
Variant type: single nucleotide variant.
Coding change: c.1301C>T on transcript NM_152309.3 (MANE Select); coding-DNA position 1301, C replaced by T.
Protein change: p.Ser434Leu; replaces serine 434 with leucine.
Molecular consequence: missense variant.
Genome position (GRCh38, 1-based): chr10:96,645,547, G>A on the plus strand (C>T on the coding strand, the complement: PIK3AP1 is on the minus strand). VCF-style: chr10-96645547-G-A. GRCh37 (hg19) VCF-style: chr10-98405304-G-A.
Other names: short protein forms S434L.
Identifiers: ClinVar variation 841470 (VCV000841470.9), dbSNP rs1329719454, ClinGen allele CA377744299.